The following is an entry in ClinVar:

ClinVar aggregate classification (germline): Pathogenic. Review status: criteria provided, multiple submitters, no conflicts (2 of 4 stars). 3 submissions from 3 submitters: Pathogenic (3). Last evaluated 2023-09-30.

Conditions:
Neurofibromatosis, type 1 (NF1). Also called: Neurofibromatosis, type I; NEUROFIBROMATOSIS, TYPE I, SOMATIC; VON RECKLINGHAUSEN DISEASE; Peripheral type neurofibromatosis. Identifiers: Orphanet 636, MedGen C0027831, MONDO:0018975, OMIM 162200. Disease mechanism: loss of function.
NF1-related disorder. Also called: NF1-related condition. Identifiers: MedGen CN379171.

Submissions (3):

Labcorp Genetics (formerly Invitae), Labcorp
Classification: Pathogenic for Neurofibromatosis, type 1. Last evaluated: 2023-09-30. Review status: criteria provided, single submitter. Criteria: Invitae Variant Classification Sherloc (09022015). Collection method: clinical testing. Allele origin: germline.
Comment: For these reasons, this variant has been classified as Pathogenic. ClinVar contains an entry for this variant (Variation ID: 426651). This premature translational stop signal has been observed in individual(s) with neurofibromatosis type 1 (PMID: 31370276, 31776437). This variant is not present in population databases (gnomAD no frequency). This sequence change creates a premature translational stop signal (p.His415Profs*14) in the NF1 gene. It is expected to result in an absent or disrupted protein product. Loss-of-function variants in NF1 are known to be pathogenic (PMID: 10712197, 23913538).

Blueprint Genetics
Classification: Pathogenic for NF1-related disorders. Last evaluated: 2022-03-10. Review status: criteria provided, single submitter. Criteria: ACMG Guidelines, 2015. Collection method: clinical testing. Allele origin: germline. Affected: yes. Observed: 1 variant allele.

GeneDx
Classification: Pathogenic. Last evaluated: 2021-12-14. Review status: criteria provided, single submitter. Criteria: GeneDx Variant Classification Process June 2021. Collection method: clinical testing. Allele origin: germline. Affected: yes.
Comment: Frameshift variant predicted to result in protein truncation or nonsense mediated decay in a gene for which loss-of-function is a known mechanism of disease; Not observed in large population cohorts (Lek 2016); Observed in individuals with a personal or family history consistent with pathogenic variants in this gene referred for genetic testing at GeneDx and in published literature (Giugliano 2019, Kang 2020); This variant is associated with the following publications: (PMID: 31370276, 31776437)

Literature cited by the submitters: PubMed 31370276 (cited by Labcorp Genetics (formerly Invitae), Labcorp); PubMed 31776437 (cited by Labcorp Genetics (formerly Invitae), Labcorp); PubMed 10712197 (cited by Labcorp Genetics (formerly Invitae), Labcorp); PubMed 23913538 (cited by Labcorp Genetics (formerly Invitae), Labcorp).

NM_001042492.3(NF1):c.1243dup (p.His415fs)

Gene: NF1 (neurofibromin 1; plus strand). Cytogenetic location: 17q11.2.
Variant type: Duplication.
Coding change: c.1243dup on transcript NM_001042492.3 (MANE Select); coding-DNA position 1243, one base duplicated (C; older notation c.1243dupC).
Protein change: p.His415fs; shifts the reading frame from histidine 415.
Molecular consequence: frameshift variant.
Genome position (GRCh38, 1-based): chr17:31,201,468, C duplicated; the last of 2 consecutive C bases (chr17:31,201,467-31,201,468); duplicating either gives the same sequence. VCF-style (leftmost placement, unchanged base first): chr17-31201466-T-TC. GRCh37 (hg19) VCF-style: chr17-29528484-T-TC.
Other names: c.1243dupC (NM_000267.3); c.1243dup, p.His415Profs (NM_000267.4); c.1243dup, p.His415fs (NM_001128147.3); short protein forms H415fs.
Identifiers: ClinVar variation 426651 (VCV000426651.9), dbSNP rs1085307728, ClinGen allele CA645293899.